The following is an entry in ClinVar:

ClinVar aggregate classification (germline): Conflicting classifications of pathogenicity. Review status: criteria provided, conflicting classifications (1 of 4 stars). 2 submissions from 2 submitters: Uncertain significance (1); Likely benign (1). Last evaluated 2026-03-01.

Conditions:
Epileptic encephalopathy. Identifiers: MedGen C0543888, HP:0200134.

gnomAD v4.1: 6 of 1,614,038 alleles (0.00037%); highest among the groups gnomAD compares: South Asian, 0.0011%; no homozygotes.

Submissions (2):

CeGaT Center for Human Genetics Tuebingen
Classification: Likely benign. Last evaluated: 2026-03-01. Review status: criteria provided, single submitter. Criteria: CeGaT Center For Human Genetics Tuebingen Variant Classification Criteria Version 2. Collection method: clinical testing. Allele origin: germline. Affected: yes. Observed: 1 variant allele.
Comment: GABBR2: PP3, BS2

Labcorp Genetics (formerly Invitae), Labcorp
Classification: Uncertain significance for Epileptic encephalopathy. Last evaluated: 2024-02-09. Review status: criteria provided, single submitter. Criteria: Invitae Variant Classification Sherloc (09022015). Collection method: clinical testing. Allele origin: germline.
Comment: This sequence change replaces alanine, which is neutral and non-polar, with threonine, which is neutral and polar, at codon 708 of the GABBR2 protein (p.Ala708Thr). The frequency data for this variant in the population databases is considered unreliable, as metrics indicate poor data quality at this position in the gnomAD database. This variant has not been reported in the literature in individuals affected with GABBR2-related conditions. ClinVar contains an entry for this variant (Variation ID: 2195321). Advanced modeling of protein sequence and biophysical properties (such as structural, functional, and spatial information, amino acid conservation, physicochemical variation, residue mobility, and thermodynamic stability) performed at Invitae indicates that this missense variant is not expected to disrupt GABBR2 protein function with a negative predictive value of 80%. In summary, the available evidence is currently insufficient to determine the role of this variant in disease. Therefore, it has been classified as a Variant of Uncertain Significance.

NM_005458.8(GABBR2):c.2122G>A (p.Ala708Thr)

Gene: GABBR2 (gamma-aminobutyric acid type B receptor subunit 2; minus strand). Cytogenetic location: 9q22.33.
Variant type: single nucleotide variant.
Coding change: c.2122G>A on transcript NM_005458.8 (MANE Select); coding-DNA position 2122, G replaced by A.
Protein change: p.Ala708Thr; replaces alanine 708 with threonine.
Molecular consequence: missense variant.
Genome position (GRCh38, 1-based): chr9:98,306,228, C>T on the plus strand (G>A on the coding strand, the complement: GABBR2 is on the minus strand). VCF-style: chr9-98306228-C-T. GRCh37 (hg19) VCF-style: chr9-101068510-C-T.
Other names: short protein forms A708T.
Identifiers: ClinVar variation 2195321 (VCV002195321.8), dbSNP rs267602049, ClinGen allele CA196779079.